The following is an entry in ClinVar:

ClinVar aggregate classification (germline): Uncertain significance. Review status: criteria provided, multiple submitters, no conflicts (2 of 4 stars). 2 submissions from 2 submitters: Uncertain significance (2). Last evaluated 2026-03-11.

Conditions:
Hereditary cancer-predisposing syndrome. Also called: Neoplastic Syndromes, Hereditary; Tumor predisposition; Hereditary Cancer Syndrome; Hereditary neoplastic syndrome. Identifiers: Orphanet 140162, MedGen C0027672, MeSH D009386, MONDO:0015356.

Submissions (2):

Ambry Genetics
Classification: Uncertain significance for Hereditary cancer-predisposing syndrome. Last evaluated: 2026-03-11. Review status: criteria provided, single submitter. Criteria: Ambry Variant Classification Scheme 2023. Collection method: clinical testing. Allele origin: germline.
Comment: The p.S295N variant (also known as c.884G>A), located in coding exon 6 of the CTNNA1 gene, results from a G to A substitution at nucleotide position 884. The serine at codon 295 is replaced by asparagine, an amino acid with highly similar properties. This amino acid position is conserved. In addition, this alteration is predicted to be tolerated by in silico analysis. Based on the available evidence, the clinical significance of this variant remains unclear.

Labcorp Genetics (formerly Invitae), Labcorp
Classification: Uncertain significance. Last evaluated: 2024-06-03. Review status: criteria provided, single submitter. Criteria: Invitae Variant Classification Sherloc (09022015). Collection method: clinical testing. Allele origin: germline.
Comment: This sequence change replaces serine, which is neutral and polar, with asparagine, which is neutral and polar, at codon 295 of the CTNNA1 protein (p.Ser295Asn). This variant is not present in population databases (gnomAD no frequency). This variant has not been reported in the literature in individuals affected with CTNNA1-related conditions. ClinVar contains an entry for this variant (Variation ID: 2006341). Advanced modeling of protein sequence and biophysical properties (such as structural, functional, and spatial information, amino acid conservation, physicochemical variation, residue mobility, and thermodynamic stability) performed at Invitae indicates that this missense variant is not expected to disrupt CTNNA1 protein function with a negative predictive value of 80%. In summary, the available evidence is currently insufficient to determine the role of this variant in disease. Therefore, it has been classified as a Variant of Uncertain Significance.

NM_001903.5(CTNNA1):c.884G>A (p.Ser295Asn)

Gene: CTNNA1 (catenin alpha 1; plus strand). Cytogenetic location: 5q31.2.
Variant type: single nucleotide variant.
Coding change: c.884G>A on transcript NM_001903.5 (MANE Select); coding-DNA position 884, G replaced by A.
Protein change: p.Ser295Asn; replaces serine 295 with asparagine.
Molecular consequence: missense variant.
Genome position (GRCh38, 1-based): chr5:138,827,540, G>A. VCF-style: chr5-138827540-G-A. GRCh37 (hg19) VCF-style: chr5-138163229-G-A.
Other names: c.884G>A, p.Ser295Asn (NM_001290307.3, NM_001323982.2, NM_001323983.1 and 3 more transcripts); c.575G>A, p.Ser192Asn (NM_001290309.3); c.515G>A, p.Ser172Asn (NM_001290310.3); c.884G>A (NM_001903.2); short protein forms S172N, S192N, S295N.
Identifiers: ClinVar variation 2006341 (VCV002006341.5), dbSNP rs1760844843, ClinGen allele CA361130709.